The following is an entry in ClinVar:

NM_003924.4(PHOX2B):c.890C>A (p.Ser297Ter)

Gene: PHOX2B (paired like homeobox 2B; minus strand). Cytogenetic location: 4p13.
Variant type: single nucleotide variant.
Coding change: c.890C>A on transcript NM_003924.4 (MANE Select); coding-DNA position 890, C replaced by A.
Protein change: p.Ser297Ter; replaces serine 297 with a stop codon.
Molecular consequence: nonsense.
Genome position (GRCh38, 1-based): chr4:41,745,862, G>T on the plus strand (C>A on the coding strand, the complement: PHOX2B is on the minus strand). VCF-style: chr4-41745862-G-T. GRCh37 (hg19) VCF-style: chr4-41747879-G-T.
Other names: short protein forms S297*.
Identifiers: ClinVar variation 3417939 (VCV003417939.1).

ClinVar aggregate classification (germline): Uncertain significance (1 of 4 stars; one submission).

Conditions:
Hereditary cancer-predisposing syndrome. Also called: Neoplastic Syndromes, Hereditary; Tumor predisposition; Hereditary Cancer Syndrome; Hereditary neoplastic syndrome. Identifiers: Orphanet 140162, MedGen C0027672, MeSH D009386, MONDO:0015356.

Submission:

Ambry Genetics
Classification: Uncertain significance for Hereditary cancer-predisposing syndrome. Last evaluated: 2024-09-06. Review status: criteria provided, single submitter. Criteria: Ambry Variant Classification Scheme 2023. Collection method: clinical testing. Allele origin: germline.
Comment: The p.S297* variant (also known as c.890C>A), located in coding exon 3 of the PHOX2B gene, results from a C to A substitution at nucleotide position 890. This changes the amino acid from a serine to a stop codon within coding exon 3. This alteration occurs at the 3' terminus of thePHOX2B gene, is not expected to trigger nonsense-mediated mRNAdecay, and only impacts the last 5.7% of the protein. The exact functional effect of this alteration is unknown. Based on the available evidence, the clinical significance of this variant remains unclear.